The following is an entry in ClinVar:

NM_000038.6(APC):c.834+6270G>A

Gene: APC (APC regulator of WNT signaling pathway; plus strand). Cytogenetic location: 5q22.2.
Variant type: single nucleotide variant.
Coding change: c.834+6270G>A on transcript NM_000038.6 (MANE Select); 6270 bases into the intron after coding-DNA position 834, G replaced by A.
Molecular consequence: intron variant.
Genome position (GRCh38, 1-based): chr5:112,807,653, G>A. VCF-style: chr5-112807653-G-A. GRCh37 (hg19) VCF-style: chr5-112143350-G-A.
Other names: c.834+6270G>A (NM_001354895.2, NM_001127510.3, NM_001354896.2 and 1 more transcripts); c.864+6270G>A (NM_001354897.2, NM_001354902.2); c.780+6270G>A (NM_001127511.3); c.759+6270G>A (NM_001354898.2, NM_001354904.2); c.-201-2473G>A (NM_001354906.2); c.750+6270G>A (NM_001354899.2); c.657+6270G>A (NM_001354900.2, NM_001354901.2, NM_001354905.2).
Identifiers: ClinVar variation 82535 (VCV000082535.2), dbSNP rs80261220, ClinGen allele CA015003.

ClinVar aggregate classification (germline): other (0 of 4 stars; one submission).

Conditions:
Familial colorectal cancer. Identifiers: MedGen CN280943, MONDO:0023113. Disease mechanism: loss of function.

Submission:

Systems Biology Platform Zhejiang California International NanoSystems Institute
Classification: other for Familial colorectal cancer. Review status: no assertion criteria provided. Collection method: not provided. Allele origin: unknown.
ClinVar note: Converted during submission from cancer to other.